The following is an entry in ClinVar:

ClinVar aggregate classification (germline): Pathogenic/Likely pathogenic. Review status: criteria provided, multiple submitters, no conflicts (2 of 4 stars). 4 submissions from 4 submitters: Pathogenic (2); Likely pathogenic (1). 1 of the submissions does not count toward it. Last evaluated 2025-12-31.

Conditions:
Peroxisome biogenesis disorder 7A (Zellweger). Also called: Peroxisome biogenesis disorder 7A. Identifiers: Orphanet 912, MedGen C3888385, MONDO:0013938, OMIM 614872.
Peroxisome biogenesis disorder 7B (PBD7B). Identifiers: Orphanet 44, MedGen C3553951, MONDO:0013939, OMIM 614873.
Peroxisome biogenesis disorder. Identifiers: Orphanet 79189, MedGen C1832200, MONDO:0019234. Disease mechanism: loss of function.

Submissions (4):

Women's Health and Genetics/Laboratory Corporation of America, LabCorp
Classification: Pathogenic for Peroxisome biogenesis disorder. Last evaluated: 2025-12-31. Review status: criteria provided, single submitter. Criteria: LabCorp Variant Classification Summary - May 2015. Collection method: clinical testing. Allele origin: germline.
Comment: Variant summary: PEX26 c.265G>A (p.Gly89Arg) results in a non-conservative amino acid change in the encoded protein sequence. Algorithms developed to predict the effect of missense changes on protein structure and function all suggest that this variant is likely to be disruptive. The variant was absent in 251496 control chromosomes. c.265G>A has been observed as a homozygous genotype in individual(s) affected with Zellweger Syndrome (example, Matsumoto_2003). These data indicate that the variant is likely to be associated with disease. At least one publication reports experimental evidence evaluating an impact on protein function. The most pronounced variant effect results in a phenotype of deficiency with weak temperature sensitive import of catalase and PTS2-EGFP similar to that of patient derived fibroblasts (Matsumoto_2003). The following publication have been ascertained in the context of this evaluation (PMID: 12851857). ClinVar contains an entry for this variant (Variation ID: 2153). Based on the evidence outlined above, the variant was classified as pathogenic.

Labcorp Genetics (formerly Invitae), Labcorp
Classification: Pathogenic for Peroxisome biogenesis disorder 7A (Zellweger); Peroxisome biogenesis disorder 7B. Last evaluated: 2024-02-13. Review status: criteria provided, single submitter. Criteria: Invitae Variant Classification Sherloc (09022015). Collection method: clinical testing. Allele origin: germline.
Comment: This sequence change replaces glycine, which is neutral and non-polar, with arginine, which is basic and polar, at codon 89 of the PEX26 protein (p.Gly89Arg). This variant is not present in population databases (gnomAD no frequency). This missense change has been observed in individual(s) with Zellweger syndrome (PMID: 12851857). ClinVar contains an entry for this variant (Variation ID: 2153). Advanced modeling of protein sequence and biophysical properties (such as structural, functional, and spatial information, amino acid conservation, physicochemical variation, residue mobility, and thermodynamic stability) performed at Invitae indicates that this missense variant is expected to disrupt PEX26 protein function with a positive predictive value of 80%. Experimental studies have shown that this missense change affects PEX26 function (PMID: 12851857). For these reasons, this variant has been classified as Pathogenic.

Baylor Genetics
Classification: Likely pathogenic for Peroxisome biogenesis disorder 7A (Zellweger). Last evaluated: 2023-02-01. Review status: criteria provided, single submitter. Criteria: ACMG Guidelines, 2015. Collection method: clinical testing. Allele origin: unknown.

OMIM
Classification: Pathogenic for PEROXISOME BIOGENESIS DISORDER 7A (ZELLWEGER). Last evaluated: 2003-08-01. Review status: no assertion criteria provided. Collection method: literature only. Allele origin: germline. Not counted in ClinVar's aggregate classification.

Literature cited by the submitters: PubMed 12851857 (cited by Labcorp Genetics (formerly Invitae), Labcorp and OMIM).

NM_001127649.3(PEX26):c.265G>A (p.Gly89Arg)

Gene: PEX26 (peroxisomal biogenesis factor 26; plus strand). Cytogenetic location: 22q11.21.
Variant type: single nucleotide variant.
Coding change: c.265G>A on transcript NM_001127649.3 (MANE Select); coding-DNA position 265, G replaced by A.
Protein change: p.Gly89Arg; replaces glycine 89 with arginine.
Molecular consequence: missense variant.
Genome position (GRCh38, 1-based): chr22:18,079,908, G>A. VCF-style: chr22-18079908-G-A. GRCh37 (hg19) VCF-style: chr22-18562674-G-A.
Other names: c.265G>A, p.Gly89Arg (NM_001199319.2, NM_017929.6); short protein forms G89R.
Identifiers: ClinVar variation 2153 (VCV000002153.5), dbSNP rs28940308, ClinGen allele CA115369.